The following is an entry in ClinVar:

NM_138295.5(PKD1L1):c.1430C>T (p.Ser477Phe)

Gene: PKD1L1 (polycystin 1 like 1, transient receptor potential channel interacting; minus strand). Cytogenetic location: 7p12.3.
Variant type: single nucleotide variant.
Coding change: c.1430C>T on transcript NM_138295.5 (MANE Select); coding-DNA position 1430, C replaced by T.
Protein change: p.Ser477Phe; replaces serine 477 with phenylalanine.
Molecular consequence: missense variant.
Genome position (GRCh38, 1-based): chr7:47,905,935, G>A on the plus strand (C>T on the coding strand, the complement: PKD1L1 is on the minus strand). VCF-style: chr7-47905935-G-A. GRCh37 (hg19) VCF-style: chr7-47945532-G-A.
Other names: short protein forms S477F.
Identifiers: ClinVar variation 2368096 (VCV002368096.3), dbSNP rs973346545, ClinGen allele CA158072611.
Genomic context (GRCh38, chr7:47,905,935, plus strand): 5'-CAAGCCTGGCTGTCACCCACTTGAGTCTGAGAAATAAAGGACACGTTATATGAAGGAATA[G>A]ATGGAAAGTGATGTATAACCACAGTGCCTAAAATGAGAAAAAAAGGAGATAAGAGAAAAA-3'
Protein context (NP_612152.1, residues 467-487): KSTVVIHHFP[Ser477Phe]IPSYNVSFIS

ClinVar aggregate classification (germline): Uncertain significance. Review status: criteria provided, multiple submitters, no conflicts (2 of 4 stars). 2 submissions from 2 submitters: Uncertain significance (2). Last evaluated 2026-05-29.

Conditions:
Inborn genetic diseases. Identifiers: MedGen C0950123, MeSH D030342.
PKD1L1-related disorder. Also called: PKD1L1-related condition.

Allele frequency attached by ClinVar (database versions not stated): gnomAD exomes 0.00003; gnomAD 0.00004; TOPMed 0.00005.
gnomAD v4.1: 48 of 1,610,116 alleles (0.003%); highest among the groups gnomAD compares: African/African-American, 0.004%; no homozygotes.

Submissions (2):

PreventionGenetics, part of Exact Sciences
Classification: Uncertain significance for PKD1L1-related condition. Last evaluated: 2026-05-29. Review status: criteria provided, single submitter. Criteria: ACMG Guidelines, 2015. Collection method: clinical testing. Allele origin: germline.
Comment: The PKD1L1 c.1430C>T variant is predicted to result in the amino acid substitution p.Ser477Phe. To our knowledge, this variant has not been reported in the literature. This variant is reported in 0.0039% of alleles in individuals of European (Non-Finnish) descent in gnomAD. At this time, the clinical significance of this variant is uncertain due to the absence of conclusive functional and genetic evidence.

Ambry Genetics
Classification: Uncertain significance for Inborn genetic diseases. Last evaluated: 2021-10-27. Review status: criteria provided, single submitter. Criteria: Ambry Variant Classification Scheme 2023. Collection method: clinical testing. Allele origin: germline.